The following is an entry in ClinVar:

NM_000179.3(MSH6):c.2883A>T (p.Arg961Ser)

Gene: MSH6 (mutS homolog 6; plus strand). Cytogenetic location: 2p16.3.
Variant type: single nucleotide variant.
Coding change: c.2883A>T on transcript NM_000179.3 (MANE Select); coding-DNA position 2883, A replaced by T.
Protein change: p.Arg961Ser; replaces arginine 961 with serine.
Molecular consequence: missense variant.
Genome position (GRCh38, 1-based): chr2:47,800,866, A>T. VCF-style: chr2-47800866-A-T. GRCh37 (hg19) VCF-style: chr2-48028005-A-T.
Other names: c.2493A>T, p.Arg831Ser (NM_001281492.2); c.1977A>T, p.Arg659Ser (NM_001281493.2, NM_001281494.2, NM_001406811.1 and 6 more transcripts); c.2979A>T, p.Arg993Ser (NM_001406795.1, NM_001406802.1); c.2883A>T, p.Arg961Ser (NM_001406796.1, NM_001406798.1, NM_001406800.1 and 2 more transcripts); c.2586A>T, p.Arg862Ser (NM_001406797.1, NM_001406801.1, NM_001406805.1 and 10 more transcripts); c.2358A>T, p.Arg786Ser (NM_001406799.1, NM_001406806.1, NM_001406807.1); c.2805A>T, p.Arg935Ser (NM_001406804.1); c.2889A>T, p.Arg963Ser (NM_001406813.1); and 2 more; short protein forms R831S, R659S, R905S, R935S, R961S, R963S, R276S, R786S.
Identifiers: ClinVar variation 1797201 (VCV001797201.2), dbSNP rs1060504747, ClinGen allele CA346756034.
Genomic context (GRCh38, chr2:47,800,866, plus strand): 5'-TGCTGACATAAGAGAAAATGAACAGAGCCTCCTGGAATACCTAGAGAAACAGCGCAACAG[A>T]ATTGGCTGTAGGACCATAGTCTATTGGGGGATTGGTAGGAACCGTTACCAGCTGGAAATT-3'
Protein context (NP_000170.1, residues 951-971): LLEYLEKQRN[Arg961Ser]IGCRTIVYWG

ClinVar aggregate classification (germline): Uncertain significance (1 of 4 stars; one submission).

Conditions:
Hereditary cancer-predisposing syndrome. Also called: Tumor predisposition; Hereditary Cancer Syndrome; Neoplastic Syndromes, Hereditary; Hereditary neoplastic syndrome. Identifiers: Orphanet 140162, MedGen C0027672, MeSH D009386, MONDO:0015356.

Submission:

Ambry Genetics
Classification: Uncertain significance for Hereditary cancer-predisposing syndrome. Last evaluated: 2017-06-28. Review status: criteria provided, single submitter. Criteria: Ambry Variant Classification Scheme 2023. Collection method: clinical testing. Allele origin: germline.
Comment: The p.R961S variant (also known as c.2883A>T), located in coding exon 4 of the MSH6 gene, results from an A to T substitution at nucleotide position 2883. The arginine at codon 961 is replaced by serine, an amino acid with dissimilar properties. This amino acid position is well conserved in available vertebrate species. In addition, this alteration is predicted to be deleterious by in silico analysis. In addition, the CoDP in silico tool predicts this alteration is likely to impact molecular function, with a score of 0.740 (Terui H et al. J. Biomed. Sci. 2013 Apr;20:25). Since supporting evidence is limited at this time, the clinical significance of this alteration remains unclear.